The following is an entry in ClinVar:

ClinVar aggregate classification (germline): Uncertain significance. Review status: criteria provided, multiple submitters, no conflicts (2 of 4 stars). 2 submissions from 2 submitters: Uncertain significance (2). Last evaluated 2026-06-29.

Conditions:
Emery-Dreifuss muscular dystrophy 5, autosomal dominant (EDMD5). Also called: EMERY-DREIFUSS MUSCULAR DYSTROPHY 5. Identifiers: Orphanet 261, MedGen C2751805, MONDO:0013072, OMIM 612999.

gnomAD v4.1: 1 of 1,609,030 alleles (0.000062%); highest among the groups gnomAD compares: Admixed American, 0.0017%; no homozygotes.

Submissions (2):

Ambry Genetics
Classification: Uncertain significance. Last evaluated: 2026-06-29. Review status: criteria provided, single submitter. Criteria: Ambry Variant Classification Scheme 2023. Collection method: clinical testing. Allele origin: germline.

Labcorp Genetics (formerly Invitae), Labcorp
Classification: Uncertain significance for Emery-Dreifuss muscular dystrophy 5, autosomal dominant. Last evaluated: 2025-09-20. Review status: criteria provided, single submitter. Criteria: Invitae Variant Classification Sherloc (09022015). Collection method: clinical testing. Allele origin: germline.
Comment: This sequence change replaces leucine, which is neutral and non-polar, with serine, which is neutral and polar, at codon 5182 of the SYNE2 protein (p.Leu5182Ser). This variant is not present in population databases (gnomAD no frequency). This variant has not been reported in the literature in individuals affected with SYNE2-related conditions. An algorithm developed to predict the effect of missense changes on protein structure and function (PolyPhen-2) suggests that this variant is likely to be disruptive. In summary, the available evidence is currently insufficient to determine the role of this variant in disease. Therefore, it has been classified as a Variant of Uncertain Significance.

NM_182914.3(SYNE2):c.15545T>C (p.Leu5182Ser)

Gene: SYNE2 (spectrin repeat containing nuclear envelope protein 2; plus strand). Cytogenetic location: 14q23.2.
Variant type: single nucleotide variant.
Coding change: c.15545T>C on transcript NM_182914.3 (MANE Select); coding-DNA position 15545, T replaced by C.
Protein change: p.Leu5182Ser; replaces leucine 5182 with serine.
Molecular consequence: missense variant.
Genome position (GRCh38, 1-based): chr14:64,146,129, T>C. VCF-style: chr14-64146129-T-C. GRCh37 (hg19) VCF-style: chr14-64612847-T-C.
Other names: c.15545T>C, p.Leu5182Ser (NM_015180.6); c.15545T>C (NM_182914.2); short protein forms L5182S.
Identifiers: ClinVar variation 4752610 (VCV004752610.2).
Genomic context (GRCh38, chr14:64,146,129, plus strand): 5'-TACAACATTTAGAACAACTTCTAGAAAGTATCACTGAGAGTGAAAATAAAATACAGATCT[T>C]GAACAACTGGCTGGAAGCACAAGAAGAGAGACTGAAAACTTTACAAAAACCTGAAAGTGT-3'
Protein context (NP_878918.2, residues 5172-5192): ITESENKIQI[Leu5182Ser]NNWLEAQEER